The following is an entry in ClinVar:

NM_024408.4(NOTCH2):c.4607C>T (p.Ala1536Val)

Gene: NOTCH2 (notch receptor 2; minus strand). Cytogenetic location: 1p12.
Variant type: single nucleotide variant.
Coding change: c.4607C>T on transcript NM_024408.4 (MANE Select); coding-DNA position 4607, C replaced by T.
Protein change: p.Ala1536Val; replaces alanine 1536 with valine.
Molecular consequence: missense variant.
Genome position (GRCh38, 1-based): chr1:119,923,889, G>A on the plus strand (C>T on the coding strand, the complement: NOTCH2 is on the minus strand). VCF-style: chr1-119923889-G-A. GRCh37 (hg19) VCF-style: chr1-120466512-G-A.
Other names: short protein forms A1536V.
Identifiers: ClinVar variation 5019213 (VCV005019213.2).

ClinVar aggregate classification (germline): Uncertain significance (1 of 4 stars; one submission).

Conditions:
Alagille syndrome due to a NOTCH2 point mutation. Also called: Alagille syndrome 2. Identifiers: Orphanet 261629, Orphanet 52, MedGen C1857761, MONDO:0012439, OMIM 610205.
Hajdu-Cheney syndrome (HJCYS). Also called: SERPENTINE FIBULA-POLYCYSTIC KIDNEY SYNDROME; ACROOSTEOLYSIS WITH OSTEOPOROSIS AND CHANGES IN SKULL AND MANDIBLE; Acroosteolysis dominant type. Identifiers: Orphanet 955, MedGen C0917715, MONDO:0007057, OMIM 102500.

gnomAD v4.1: 1 of 1,614,168 alleles (0.000062%); no homozygotes.

Submission:

Juno Genomics, Hangzhou Juno Genomics, Inc
Classification: Uncertain significance for Alagille syndrome due to a NOTCH2 point mutation; Hajdu-Cheney syndrome. Review status: criteria provided, single submitter. Criteria: ACMG Guidelines, 2015. Collection method: clinical testing. Allele origin: germline.
Comment: Absent from controls (or at extremely low frequency if recessive) in Genome Aggregation Database.;Missense variant in a gene that has a low rate of benign missense variation.